The following is an entry in ClinVar:

ClinVar aggregate classification (germline): Uncertain significance. Review status: criteria provided, multiple submitters, no conflicts (2 of 4 stars). 2 submissions from 2 submitters: Uncertain significance (2). Last evaluated 2025-11-26.

Allele frequency attached by ClinVar (database versions not stated): TOPMed below 0.00001; gnomAD exomes 0.00001; ExAC 0.00002.
gnomAD v4.1: 18 of 1,613,998 alleles (0.0011%); highest among the groups gnomAD compares: East Asian, 0.0022%; no homozygotes.

Submissions (2):

Ambry Genetics
Classification: Uncertain significance. Last evaluated: 2025-11-26. Review status: criteria provided, single submitter. Criteria: Ambry Variant Classification Scheme 2023. Collection method: clinical testing. Allele origin: germline.

Labcorp Genetics (formerly Invitae), Labcorp
Classification: Uncertain significance. Last evaluated: 2022-05-21. Review status: criteria provided, single submitter. Criteria: Invitae Variant Classification Sherloc (09022015). Collection method: clinical testing. Allele origin: germline.
Comment: This sequence change replaces arginine, which is basic and polar, with glutamine, which is neutral and polar, at codon 4304 of the FAT2 protein (p.Arg4304Gln). In summary, the available evidence is currently insufficient to determine the role of this variant in disease. Therefore, it has been classified as a Variant of Uncertain Significance. Algorithms developed to predict the effect of missense changes on protein structure and function are either unavailable or do not agree on the potential impact of this missense change (SIFT: "Tolerated"; PolyPhen-2: "Possibly Damaging"; Align-GVGD: "Class C0"). This variant has not been reported in the literature in individuals affected with FAT2-related conditions. This variant is present in population databases (rs764570991, gnomAD 0.006%).

NM_001447.3(FAT2):c.12911G>A (p.Arg4304Gln)

Genes: FAT2 (FAT atypical cadherin 2; minus strand), SLC36A1 (solute carrier family 36 member 1; plus strand). Cytogenetic location: 5q33.1.
Variant type: single nucleotide variant.
Coding change: c.12911G>A on transcript NM_001447.3 (MANE Select); coding-DNA position 12911, G replaced by A.
Protein change: p.Arg4304Gln; replaces arginine 4304 with glutamine.
Molecular consequence: missense variant.
Genome position (GRCh38, 1-based): chr5:151,505,704, C>T on the plus strand (G>A on the coding strand, the complement: FAT2 is on the minus strand). VCF-style: chr5-151505704-C-T. GRCh37 (hg19) VCF-style: chr5-150885265-C-T.
Other names: c.12911G>A (NM_001447.2); short protein forms R4304Q.
Identifiers: ClinVar variation 1989286 (VCV001989286.5), dbSNP rs764570991, ClinGen allele CA3519644.